The following is an entry in ClinVar:

NM_001127222.2(CACNA1A):c.5696T>C (p.Leu1899Pro)

Gene: CACNA1A (calcium voltage-gated channel subunit alpha1 A; minus strand). Cytogenetic location: 19p13.13.
Variant type: single nucleotide variant.
Coding change: c.5696T>C on transcript NM_001127222.2 (MANE Select); coding-DNA position 5696, T replaced by C.
Protein change: p.Leu1899Pro; replaces leucine 1899 with proline.
Molecular consequence: missense variant.
Genome position (GRCh38, 1-based): chr19:13,224,702, A>G on the plus strand (T>C on the coding strand, the complement: CACNA1A is on the minus strand). VCF-style: chr19-13224702-A-G. GRCh37 (hg19) VCF-style: chr19-13335516-A-G.
Other names: c.5714T>C, p.Leu1905Pro (NM_000068.4, NM_023035.3); c.5699T>C, p.Leu1900Pro (NM_001127221.2); c.5705T>C, p.Leu1902Pro (NM_001174080.2); short protein forms L1899P, L1900P, L1902P, L1905P.
Identifiers: ClinVar variation 1802136 (VCV001802136.1), dbSNP rs2512589866, ClinGen allele CA404336899.

ClinVar aggregate classification (germline): Uncertain significance (1 of 4 stars; one submission).

Submission:

GeneDx
Classification: Uncertain significance. Last evaluated: 2022-05-25. Review status: criteria provided, single submitter. Criteria: GeneDx Variant Classification Process June 2021. Collection method: clinical testing. Allele origin: germline. Affected: yes.
Comment: Not observed at significant frequency in large population cohorts (gnomAD); In silico analysis supports that this missense variant has a deleterious effect on protein structure/function; Has not been previously published as pathogenic or benign to our knowledge